The following is an entry in ClinVar:

NM_025103.4(IFT74):c.1133C>G (p.Thr378Arg)

Gene: IFT74 (intraflagellar transport 74; plus strand). Cytogenetic location: 9p21.2.
Variant type: single nucleotide variant.
Coding change: c.1133C>G on transcript NM_025103.4 (MANE Select); coding-DNA position 1133, C replaced by G.
Protein change: p.Thr378Arg; replaces threonine 378 with arginine.
Molecular consequence: missense variant.
Genome position (GRCh38, 1-based): chr9:27,047,298, C>G. VCF-style: chr9-27047298-C-G. GRCh37 (hg19) VCF-style: chr9-27047296-C-G.
Other names: c.1133C>G, p.Thr378Arg (NM_001099222.3, NM_001099223.3, NM_001349928.2); short protein forms T378R.
Identifiers: ClinVar variation 2125061 (VCV002125061.4), dbSNP rs2489674912, ClinGen allele CA373125136.

ClinVar aggregate classification (germline): Uncertain significance (1 of 4 stars; one submission).

Allele frequency attached by ClinVar (database versions not stated): gnomAD exomes below 0.00001.
gnomAD v4.1: 1 of 1,612,432 alleles (0.000062%); highest among the groups gnomAD compares: Non-Finnish European, 0.000085%; no homozygotes.

Submission:

Labcorp Genetics (formerly Invitae), Labcorp
Classification: Uncertain significance. Last evaluated: 2024-03-04. Review status: criteria provided, single submitter. Criteria: Invitae Variant Classification Sherloc (09022015). Collection method: clinical testing. Allele origin: germline.
Comment: This sequence change replaces threonine, which is neutral and polar, with arginine, which is basic and polar, at codon 378 of the IFT74 protein (p.Thr378Arg). This variant is not present in population databases (gnomAD no frequency). This variant has not been reported in the literature in individuals affected with IFT74-related conditions. ClinVar contains an entry for this variant (Variation ID: 2125061). An algorithm developed to predict the effect of missense changes on protein structure and function (PolyPhen-2) suggests that this variant is likely to be tolerated. In summary, the available evidence is currently insufficient to determine the role of this variant in disease. Therefore, it has been classified as a Variant of Uncertain Significance.